The following is an entry in ClinVar:

ClinVar aggregate classification (germline): Uncertain significance. Review status: criteria provided, multiple submitters, no conflicts (2 of 4 stars). 3 submissions from 3 submitters: Uncertain significance (3). Last evaluated 2025-09-02.

Conditions:
Dyskeratosis congenita, autosomal dominant 2. Identifiers: MedGen C3151443, MONDO:0013521, OMIM 613989.
Idiopathic Pulmonary Fibrosis. Also called: Idiopathic fibrosing alveolitis, chronic form; idiopathic fibrosing alveolitis. Identifiers: Orphanet 2032, MedGen C1800706, MeSH D054990, MONDO:0800504.
Dyskeratosis congenita. Identifiers: Orphanet 1775, MedGen C0265965, MONDO:0015780.

Allele frequency attached by ClinVar (database versions not stated): gnomAD exomes below 0.00001 and 0.00001.
gnomAD v4.1: 9 of 1,613,720 alleles (0.00056%); highest among the groups gnomAD compares: Middle Eastern, 0.017%; no homozygotes.

Submissions (3):

Labcorp Genetics (formerly Invitae), Labcorp
Classification: Uncertain significance for Dyskeratosis congenita, autosomal dominant 2; Idiopathic Pulmonary Fibrosis. Last evaluated: 2025-09-02. Review status: criteria provided, single submitter. Criteria: Invitae Variant Classification Sherloc (09022015). Collection method: clinical testing. Allele origin: germline.
Comment: This sequence change replaces alanine, which is neutral and non-polar, with threonine, which is neutral and polar, at codon 1052 of the TERT protein (p.Ala1052Thr). This variant is present in population databases (no rsID available, gnomAD 0.0009%). This variant has not been reported in the literature in individuals affected with TERT-related conditions. ClinVar contains an entry for this variant (Variation ID: 471883). Invitae Evidence Modeling of protein sequence and biophysical properties (such as structural, functional, and spatial information, amino acid conservation, physicochemical variation, residue mobility, and thermodynamic stability) indicates that this missense variant is not expected to disrupt TERT protein function with a negative predictive value of 95%. In summary, the available evidence is currently insufficient to determine the role of this variant in disease. Therefore, it has been classified as a Variant of Uncertain Significance.

GeneDx
Classification: Uncertain significance. Last evaluated: 2024-02-08. Review status: criteria provided, single submitter. Criteria: GeneDx Variant Classification Process June 2021. Collection method: clinical testing. Allele origin: germline. Affected: yes.
Comment: Not observed at significant frequency in large population cohorts (gnomAD); In silico analysis supports that this missense variant does not alter protein structure/function; Has not been previously published as pathogenic or benign to our knowledge

Ambry Genetics
Classification: Uncertain significance for Dyskeratosis congenita. Last evaluated: 2022-01-26. Review status: criteria provided, single submitter. Criteria: Ambry Variant Classification Scheme 2023. Collection method: clinical testing. Allele origin: germline.
Comment: The p.A1052T variant (also known as c.3154G>A), located in coding exon 14 of the TERT gene, results from a G to A substitution at nucleotide position 3154. The alanine at codon 1052 is replaced by threonine, an amino acid with similar properties. This amino acid position is conserved. In addition, this alteration is predicted to be tolerated by in silico analysis. Since supporting evidence is limited at this time, the clinical significance of this alteration remains unclear.

NM_198253.3(TERT):c.3154G>A (p.Ala1052Thr)

Gene: TERT (telomerase reverse transcriptase; minus strand). Cytogenetic location: 5p15.33.
Variant type: single nucleotide variant.
Coding change: c.3154G>A on transcript NM_198253.3 (MANE Select); coding-DNA position 3154, G replaced by A.
Protein change: p.Ala1052Thr; replaces alanine 1052 with threonine.
Molecular consequence: missense variant. On other transcripts: non-coding transcript variant (2).
Genome position (GRCh38, 1-based): chr5:1,255,290, C>T on the plus strand (G>A on the coding strand, the complement: TERT is on the minus strand). VCF-style: chr5-1255290-C-T. GRCh37 (hg19) VCF-style: chr5-1255405-C-T.
Other names: c.2965G>A, p.Ala989Thr (NM_001193376.3); short protein forms A1052T, A989T.
Identifiers: ClinVar variation 471883 (VCV000471883.11), dbSNP rs968981940, ClinGen allele CA112924404.
Genomic context (GRCh38, chr5:1,255,290, plus strand): 5'-CACACTAACACCAGCAGGCAGGCACTGCTGCCACTGAGGCCAGGCACCTGCACATACCTG[C>T]GTTCTTGGCTTTCAGGATGGAGTAGCAGAGGGAGGCCGTGTCAGAGATGACGCGCAGGAA-3'
Protein context (NP_937983.2, residues 1042-1062): LCYSILKAKN[Ala1052Thr]GMSLGAKGAA